The following is an entry in ClinVar:

ClinVar aggregate classification (germline): Uncertain significance (1 of 4 stars; one submission).

Allele frequency attached by ClinVar (database versions not stated): gnomAD exomes below 0.00001; ExAC 0.00001; gnomAD 0.00001; TOPMed 0.00001.
gnomAD v4.1: 8 of 1,613,940 alleles (0.0005%); highest among the groups gnomAD compares: Non-Finnish European, 0.00042%; no homozygotes.

Submission:

GeneDx
Classification: Uncertain significance. Last evaluated: 2019-08-28. Review status: criteria provided, single submitter. Criteria: GeneDx Variant Classification Process June 2021. Collection method: clinical testing. Allele origin: germline. Affected: yes.
Comment: The majority of missense variants in this gene are considered pathogenic (Stenson et al., 2014); In silico analysis, which includes protein predictors and evolutionary conservation, supports that this variant does not alter protein structure/function; Has not been previously published as pathogenic or benign to our knowledge

NM_001110219.3(GJB6):c.349G>C (p.Asp117His)

Gene: GJB6 (gap junction protein beta 6; minus strand). Cytogenetic location: 13q12.11.
Variant type: single nucleotide variant.
Coding change: c.349G>C on transcript NM_001110219.3 (MANE Select); coding-DNA position 349, G replaced by C.
Protein change: p.Asp117His; replaces aspartic acid 117 with histidine.
Molecular consequence: missense variant.
Genome position (GRCh38, 1-based): chr13:20,223,132, C>G on the plus strand (G>C on the coding strand, the complement: GJB6 is on the minus strand). VCF-style: chr13-20223132-C-G. GRCh37 (hg19) VCF-style: chr13-20797271-C-G.
Other names: c.349G>C, p.Asp117His (NM_001110220.3, NM_001110221.3, NM_001370090.1 and 3 more transcripts); short protein forms D117H.
Identifiers: ClinVar variation 1309598 (VCV001309598.2), dbSNP rs757539461, ClinGen allele CA6904458.